The following is an entry in ClinVar:

ClinVar aggregate classification (germline): Likely pathogenic (1 of 4 stars; one submission).

Conditions:
Ehlers-Danlos syndrome, classic type, 1 (EDSCL1). Also called: EHLERS-DANLOS SYNDROME, GRAVIS TYPE; EHLERS-DANLOS SYNDROME, SEVERE CLASSIC TYPE; EDS I; Ehlers-Danlos Syndrome, Classic Type, COL5A1-Related; Ehlers-Danlos syndrome, type 1. Identifiers: MedGen C0268335, MONDO:0019567, OMIM 130000.
Osteogenesis imperfecta type I (OI1). Also called: OI, TYPE I; OSTEOGENESIS IMPERFECTA TARDA; OSTEOGENESIS IMPERFECTA WITH BLUE SCLERAE; Classic Non-deforming Osteogenesis Imperfecta with Blue Sclerae; Lobstein disease; Osteogenesis imperfecta type 1. Identifiers: Orphanet 216796, Orphanet 666, MedGen C0023931, MONDO:0008146, OMIM 166200. Disease mechanism: loss of function.

Submission:

Labcorp Genetics (formerly Invitae), Labcorp
Classification: Likely pathogenic for Osteogenesis imperfecta type I; Ehlers-Danlos syndrome, classic type, 1. Last evaluated: 2018-01-02. Review status: criteria provided, single submitter. Criteria: Invitae Variant Classification Sherloc (09022015). Collection method: clinical testing. Allele origin: germline.
Comment: Algorithms developed to predict the effect of missense changes on protein structure and function (SIFT, PolyPhen-2, Align-GVGD) all suggest that this variant is likely to be disruptive, but these predictions have not been confirmed by published functional studies and their clinical significance is uncertain. In summary, this variant is a novel missense change affecting a residue that is known to be critical for normal protein structure, stability and function. This type of missense change is also highly enriched in affected individuals and expected to be pathogenic. However, without additional functional and/or genetic data, this variant has been classified as Likely Pathogenic. This variant has not been reported in the literature in individuals with COL1A2-related disease. This variant is not present in population databases (ExAC no frequency). This sequence change replaces glycine with alanine at codon 505 of the COL1A2 protein (p.Gly505Ala). The glycine residue is highly conserved and there is a small physicochemical difference between glycine and alanine. Glycine residues within the Gly-Xaa-Yaa repeats of the triple helix domain are required for the structure and stability of fibrillar collagens (PMID: 7695699, 8218237, 19344236). In COL1A2, missense variants at these glycine residues are significantly enriched in individuals with disease (PMID: 9016532, 17078022) compared to the general population (ExAC).

Literature cited by the submitters: PubMed 7695699; PubMed 8218237; PubMed 19344236; PubMed 9016532; PubMed 17078022.

NM_000089.4(COL1A2):c.1514G>C (p.Gly505Ala)

Gene: COL1A2 (collagen type I alpha 2 chain; plus strand). Cytogenetic location: 7q21.3.
Variant type: single nucleotide variant.
Coding change: c.1514G>C on transcript NM_000089.4 (MANE Select); coding-DNA position 1514, G replaced by C.
Protein change: p.Gly505Ala; replaces glycine 505 with alanine.
Molecular consequence: missense variant.
Genome position (GRCh38, 1-based): chr7:94,413,093, G>C. VCF-style: chr7-94413093-G-C. GRCh37 (hg19) VCF-style: chr7-94042405-G-C.
Other names: short protein forms G505A.
Identifiers: ClinVar variation 456809 (VCV000456809.10), dbSNP rs1554396680, ClinGen allele CA368222011.